The following is an entry in ClinVar:

ClinVar aggregate classification (germline): Uncertain significance. Review status: criteria provided, multiple submitters, no conflicts (2 of 4 stars). 2 submissions from 2 submitters: Uncertain significance (2). Last evaluated 2025-12-24.

Conditions:
Duchenne muscular dystrophy (DMD). Also called: MUSCULAR DYSTROPHY, PSEUDOHYPERTROPHIC PROGRESSIVE, DUCHENNE TYPE; Duchenne Muscular Dystrophy (DMD). Identifiers: Orphanet 98896, MedGen C0013264, MONDO:0010679, OMIM 310200.
Cardiovascular phenotype. Identifiers: MedGen CN230736.

Allele frequency attached by ClinVar (database versions not stated): gnomAD exomes below 0.00001; TOPMed 0.00001; gnomAD 0.00002.
gnomAD v4.1: 3 of 1,208,082 alleles (0.00025%); highest among the groups gnomAD compares: African/African-American, 0.0053%; no homozygotes.

Submissions (2):

Labcorp Genetics (formerly Invitae), Labcorp
Classification: Uncertain significance for Duchenne muscular dystrophy. Last evaluated: 2025-12-24. Review status: criteria provided, single submitter. Criteria: Invitae Variant Classification Sherloc (09022015). Collection method: clinical testing. Allele origin: germline.
Comment: This sequence change replaces alanine, which is neutral and non-polar, with valine, which is neutral and non-polar, at codon 2066 of the DMD protein (p.Ala2066Val). This variant is not present in population databases (gnomAD no frequency). This variant has not been reported in the literature in individuals affected with DMD-related conditions. ClinVar contains an entry for this variant (Variation ID: 1752134). Invitae Evidence Modeling of protein sequence and biophysical properties (such as structural, functional, and spatial information, amino acid conservation, physicochemical variation, residue mobility, and thermodynamic stability) indicates that this missense variant is not expected to disrupt DMD protein function with a negative predictive value of 95%. In summary, the available evidence is currently insufficient to determine the role of this variant in disease. Therefore, it has been classified as a Variant of Uncertain Significance.

Ambry Genetics
Classification: Uncertain significance for Cardiovascular phenotype. Last evaluated: 2022-09-01. Review status: criteria provided, single submitter. Criteria: Ambry Variant Classification Scheme 2023. Collection method: clinical testing. Allele origin: germline.
Comment: The p.A2066V variant (also known as c.6197C>T), located in coding exon 43 of the DMD gene, results from a C to T substitution at nucleotide position 6197. The alanine at codon 2066 is replaced by valine, an amino acid with similar properties. This amino acid position is well conserved in available vertebrate species. In addition, this alteration is predicted to be tolerated by in silico analysis. Since supporting evidence is limited at this time, the clinical significance of this alteration remains unclear.

NM_004006.3(DMD):c.6197C>T (p.Ala2066Val)

Gene: DMD (dystrophin; minus strand). Cytogenetic location: Xp21.1.
Variant type: single nucleotide variant.
Coding change: c.6197C>T on transcript NM_004006.3 (MANE Select); coding-DNA position 6197, C replaced by T.
Protein change: p.Ala2066Val; replaces alanine 2066 with valine.
Molecular consequence: missense variant.
Genome position (GRCh38, 1-based): chrX:32,287,622, G>A on the plus strand (C>T on the coding strand, the complement: DMD is on the minus strand). VCF-style: chrX-32287622-G-A. GRCh37 (hg19) VCF-style: chrX-32305739-G-A.
Other names: c.6173C>T, p.Ala2058Val (NM_000109.4); c.6185C>T, p.Ala2062Val (NM_004009.3); c.5828C>T, p.Ala1943Val (NM_004010.3); c.2174C>T, p.Ala725Val (NM_004011.4); c.2165C>T, p.Ala722Val (NM_004012.4); short protein forms A2058V, A2062V, A2066V, A725V, A1943V, A722V.
Identifiers: ClinVar variation 1752134 (VCV001752134.5), dbSNP rs1452421485, ClinGen allele CA412666119.